The following is an entry in ClinVar:

ClinVar aggregate classification (germline): Uncertain significance (1 of 4 stars; one submission).

Conditions:
Kufor-Rakeb syndrome (KRS). Also called: PARKINSON DISEASE 9, AUTOSOMAL RECESSIVE, JUVENILE-ONSET. Identifiers: Orphanet 306674, Orphanet 314632, MedGen C1847640, MONDO:0011706, OMIM 606693.
Autosomal recessive spastic paraplegia type 78. Identifiers: Orphanet 513436, MedGen C5567893, MONDO:0014975, OMIM 617225.

Allele frequency attached by ClinVar (database versions not stated): gnomAD 0.00001; gnomAD exomes 0.00001; TOPMed 0.00001.
gnomAD v4.1: 19 of 1,613,326 alleles (0.0012%); highest among the groups gnomAD compares: Non-Finnish European, 0.0014%; no homozygotes.

Submission:

Labcorp Genetics (formerly Invitae), Labcorp
Classification: Uncertain significance for Kufor-Rakeb syndrome; Autosomal recessive spastic paraplegia type 78. Last evaluated: 2022-04-08. Review status: criteria provided, single submitter. Criteria: Invitae Variant Classification Sherloc (09022015). Collection method: clinical testing. Allele origin: germline.
Comment: This sequence change replaces glutamine, which is neutral and polar, with arginine, which is basic and polar, at codon 382 of the ATP13A2 protein (p.Gln382Arg). This variant is not present in population databases (gnomAD no frequency). This variant has not been reported in the literature in individuals affected with ATP13A2-related conditions. Algorithms developed to predict the effect of missense changes on protein structure and function are either unavailable or do not agree on the potential impact of this missense change (SIFT: "Tolerated"; PolyPhen-2: "Probably Damaging"; Align-GVGD: "Class C0"). Algorithms developed to predict the effect of sequence changes on RNA splicing suggest that this variant may disrupt the consensus splice site. In summary, the available evidence is currently insufficient to determine the role of this variant in disease. Therefore, it has been classified as a Variant of Uncertain Significance.

NM_022089.4(ATP13A2):c.1145A>G (p.Gln382Arg)

Gene: ATP13A2 (ATPase cation transporting 13A2; minus strand). Cytogenetic location: 1p36.13.
Variant type: single nucleotide variant.
Coding change: c.1145A>G on transcript NM_022089.4 (MANE Select); coding-DNA position 1145, A replaced by G.
Protein change: p.Gln382Arg; replaces glutamine 382 with arginine.
Molecular consequence: missense variant.
Genome position (GRCh38, 1-based): chr1:16,997,070, T>C on the plus strand (A>G on the coding strand, the complement: ATP13A2 is on the minus strand). VCF-style: chr1-16997070-T-C. GRCh37 (hg19) VCF-style: chr1-17323565-T-C.
Other names: c.1130A>G, p.Gln377Arg (NM_001141973.3, NM_001141974.3); short protein forms Q382R, Q377R.
Identifiers: ClinVar variation 2027044 (VCV002027044.4), dbSNP rs756955409, ClinGen allele CA18638319.